The following is an entry in ClinVar:

ClinVar aggregate classification (germline): Likely pathogenic (1 of 4 stars; one submission).

Conditions:
Niemann-Pick disease, type C1. Also called: NIEMANN-PICK DISEASE, VARIANT TYPE C1; NEUROVISCERAL STORAGE DISEASE WITH VERTICAL SUPRANUCLEAR OPHTHALMOPLEGIA; NIEMANN-PICK DISEASE WITH CHOLESTEROL ESTERIFICATION BLOCK; NIEMANN-PICK DISEASE WITHOUT SPHINGOMYELINASE DEFICIENCY; NIEMANN-PICK DISEASE, CHRONIC NEURONOPATHIC FORM. Identifiers: Orphanet 646, MedGen C3179455, MONDO:0009757, OMIM 257220.

Submission:

3billion
Classification: Likely pathogenic for Niemann-Pick disease, type C1. Last evaluated: 2023-08-02. Review status: criteria provided, single submitter. Criteria: ACMG Guidelines, 2015. Collection method: clinical testing. Allele origin: germline. Affected: yes.
Comment: The variant is not observed in the gnomAD v2.1.1 dataset. Predicted Consequence/Location: Frameshift: predicted to result in a loss or disruption of normal protein function through nonsense-mediated decay (NMD) or protein truncation. Multiple pathogenic variants are reported downstream of the variant. Therefore, this variant is classified as Likely pathogenic according to the recommendation of ACMG/AMP guideline.

NM_000271.5(NPC1):c.3371dup (p.Val1125fs)

Gene: NPC1 (NPC intracellular cholesterol transporter 1; minus strand). Cytogenetic location: 18q11.2.
Variant type: Duplication.
Coding change: c.3371dup on transcript NM_000271.5 (MANE Select); coding-DNA position 3371, one base duplicated (C; older notation c.3371dupC).
Protein change: p.Val1125fs; shifts the reading frame from valine 1125.
Molecular consequence: frameshift variant.
Genome position (GRCh38, 1-based): chr18:23,535,575, G duplicated on the plus strand (C on the coding strand, the reverse complement: NPC1 is on the minus strand). VCF-style (leftmost placement, unchanged base first): chr18-23535574-T-TG. GRCh37 (hg19) VCF-style: chr18-21115538-T-TG.
Other names: short protein forms V1125fs.
Identifiers: ClinVar variation 3776285 (VCV003776285.1).